The following is an entry in ClinVar:

Single allele

Genes: AAGAB (alpha and gamma adaptin binding protein; minus strand), ABHD17C (abhydrolase domain containing 17C, depalmitoylase; plus strand), ABHD2 (abhydrolase domain containing 2, acylglycerol lipase; plus strand), ACAN (aggrecan; plus strand), ACSBG1 (acyl-CoA synthetase bubblegum family member 1; minus strand) and 553 more. Cytogenetic location: 15q11.2-26.3.
Variant type: Complex.
Identifiers: ClinVar variation 4891001 (VCV004891001.1).

ClinVar aggregate classification (germline): Pathogenic (1 of 4 stars; one submission).

Conditions:
Angelman syndrome (AS). Also called: HAPPY PUPPET SYNDROME. Identifiers: Orphanet 72, MedGen C0162635, MONDO:0007113, OMIM 105830. Disease mechanism: loss of function. Inheritance: AS is caused by disruption of maternally imprinted UBE3A located within the 15q11.2-q13 Angelman syndrome/Prader-Willi syndrome (AS/PWS) region., imprinting disorder.

Submission:

Pediatric Department, Peking University First Hospital
Classification: Pathogenic for Angelman syndrome. Last evaluated: 2025-12-10. Review status: criteria provided, single submitter. Criteria: ACMG/ClinGen CNV Guidelines, 2019. Collection method: clinical testing. Allele origin: de novo. Inheritance: Autosomal dominant inheritance with maternal imprinting. Affected: yes.
Comment: This copy-neutral UPD involves 15q11.2-q26.3 and encompasses the imprinted 15q11-q13 Angelman syndrome critical region. Paternal UPD of chromosome 15 is an established disease-causing mechanism for Angelman syndrome due to absence of the maternal contribution at the imprinted region, including loss of maternal UBE3A expression. This finding is therefore classified as pathogenic.